The following is an entry in ClinVar:

NM_015141.4(GPD1L):c.347T>C (p.Leu116Pro)

Gene: GPD1L (glycerol-3-phosphate dehydrogenase 1 like; plus strand). Cytogenetic location: 3p22.3.
Variant type: single nucleotide variant.
Coding change: c.347T>C on transcript NM_015141.4 (MANE Select); coding-DNA position 347, T replaced by C.
Protein change: p.Leu116Pro; replaces leucine 116 with proline.
Molecular consequence: missense variant.
Genome position (GRCh38, 1-based): chr3:32,138,708, T>C. VCF-style: chr3-32138708-T-C. GRCh37 (hg19) VCF-style: chr3-32180200-T-C.
Other names: short protein forms L116P.
Identifiers: ClinVar variation 5022484 (VCV005022484.1).

ClinVar aggregate classification (germline): Uncertain significance (1 of 4 stars; one submission).

Conditions:
Cardiovascular phenotype. Identifiers: MedGen CN230736.

Submission:

Ambry Genetics
Classification: Uncertain significance for Cardiovascular phenotype. Last evaluated: 2026-07-09. Review status: criteria provided, single submitter. Criteria: Ambry Variant Classification Scheme 2023. Collection method: clinical testing. Allele origin: germline.
Comment: The p.L116P variant (also known as c.347T>C), located in coding exon 3 of the GPD1L gene, results from a T to C substitution at nucleotide position 347. The leucine at codon 116 is replaced by proline, an amino acid with similar properties. This amino acid position is conserved. In addition, this alteration is predicted to be tolerated by in silico analysis. Based on the available evidence, the clinical significance of this variant remains unclear.